The following is an entry in ClinVar:

NM_001347886.2(DNAH3):c.11805A>C (p.Gln3935His)

Gene: DNAH3 (dynein axonemal heavy chain 3; minus strand). Cytogenetic location: 16p12.3.
Variant type: single nucleotide variant.
Coding change: c.11805A>C on transcript NM_001347886.2 (MANE Select); coding-DNA position 11805, A replaced by C.
Protein change: p.Gln3935His; replaces glutamine 3935 with histidine.
Molecular consequence: missense variant.
Genome position (GRCh38, 1-based): chr16:20,935,402, T>G on the plus strand (A>C on the coding strand, the complement: DNAH3 is on the minus strand). VCF-style: chr16-20935402-T-G. GRCh37 (hg19) VCF-style: chr16-20946724-T-G.
Other names: c.11943A>C, p.Gln3981His (NM_017539.2); short protein forms Q3935H, Q3981H.
Identifiers: ClinVar variation 3774920 (VCV003774920.2).

ClinVar aggregate classification (germline): Uncertain significance (1 of 4 stars; one submission).

gnomAD v4.1: 1 of 1,613,704 alleles (0.000062%); highest among the groups gnomAD compares: Admixed American, 0.0017%; no homozygotes.

Submission:

GeneDx
Classification: Uncertain significance. Last evaluated: 2025-09-30. Review status: criteria provided, single submitter. Criteria: GeneDx Variant Classification Process June 2021. Collection method: clinical testing. Allele origin: germline.
Comment: Not observed at significant frequency in large population cohorts (gnomAD); In silico analysis supports that this missense variant has a deleterious effect on protein structure/function; Has not been previously published as pathogenic or benign to our knowledge